The following is an entry in ClinVar:

NM_003001.5(SDHC):c.406A>C (p.Met136Leu)

Gene: SDHC (succinate dehydrogenase complex subunit C; plus strand). Cytogenetic location: 1q23.3.
Variant type: single nucleotide variant.
Coding change: c.406A>C on transcript NM_003001.5 (MANE Select); coding-DNA position 406, A replaced by C.
Protein change: p.Met136Leu; replaces methionine 136 with leucine.
Molecular consequence: missense variant.
Genome position (GRCh38, 1-based): chr1:161,362,329, A>C. VCF-style: chr1-161362329-A-C. GRCh37 (hg19) VCF-style: chr1-161332119-A-C.
Other names: c.242A>C, p.Asp81Ala (NM_001035511.3); c.304A>C, p.Met102Leu (NM_001035512.3); c.247A>C, p.Met83Leu (NM_001035513.3); c.140A>C, p.Asp47Ala (NM_001278172.3); c.526A>C, p.Met176Leu (NM_001407115.1); c.349A>C, p.Met117Leu (NM_001407116.1); c.343A>C, p.Met115Leu (NM_001407117.1); c.298A>C, p.Met100Leu (NM_001407118.1); and 2 more; short protein forms D47A, D81A, M136L, M102L, M83L, M115L, M99L, M100L.
Identifiers: ClinVar variation 959852 (VCV000959852.8), dbSNP rs1486341484, ClinGen allele CA343457516.

ClinVar aggregate classification (germline): Uncertain significance (1 of 4 stars; one submission).

Conditions:
Gastrointestinal stromal tumor. Also called: Gastrointestinal stromal tumor, somatic; Gastrointestinal stroma tumor. Identifiers: Orphanet 44890, MedGen C0238198, MeSH D046152, MONDO:0011719, OMIM 606764, HP:0100723.
Pheochromocytoma/paraganglioma syndrome 3. Also called: GLOMUS TUMORS, FAMILIAL, 3; SDHC-Related Hereditary Paraganglioma-Pheochromocytoma Syndrome; Paragangliomas 3; SDHC-Related Hereditary Paraganglioma-Pheochromocytoma Syndrome (Paragangliomas 3). Identifiers: Orphanet 29072, MedGen C1854336, MONDO:0011544, OMIM 605373.

Allele frequency attached by ClinVar (database versions not stated): gnomAD exomes below 0.00001.

Submission:

Labcorp Genetics (formerly Invitae), Labcorp
Classification: Uncertain significance for Pheochromocytoma/paraganglioma syndrome 3; Gastrointestinal stromal tumor. Last evaluated: 2022-01-12. Review status: criteria provided, single submitter. Criteria: Invitae Variant Classification Sherloc (09022015). Collection method: clinical testing. Allele origin: germline.
Comment: In summary, the available evidence is currently insufficient to determine the role of this variant in disease. Therefore, it has been classified as a Variant of Uncertain Significance. Algorithms developed to predict the effect of missense changes on protein structure and function (SIFT, PolyPhen-2, Align-GVGD) all suggest that this variant is likely to be tolerated. ClinVar contains an entry for this variant (Variation ID: 959852). This variant has not been reported in the literature in individuals affected with SDHC-related conditions. This variant is present in population databases (no rsID available, gnomAD 0.003%). This sequence change replaces methionine, which is neutral and non-polar, with leucine, which is neutral and non-polar, at codon 136 of the SDHC protein (p.Met136Leu).